The following is an entry in ClinVar:

NM_001114134.2(EPB42):c.468G>C (p.Met156Ile)

Gene: EPB42 (erythrocyte membrane protein band 4.2; minus strand). Cytogenetic location: 15q15.2.
Variant type: single nucleotide variant.
Coding change: c.468G>C on transcript NM_001114134.2 (MANE Select); coding-DNA position 468, G replaced by C.
Protein change: p.Met156Ile; replaces methionine 156 with isoleucine.
Molecular consequence: missense variant.
Genome position (GRCh38, 1-based): chr15:43,211,497, C>G on the plus strand (G>C on the coding strand, the complement: EPB42 is on the minus strand). VCF-style: chr15-43211497-C-G. GRCh37 (hg19) VCF-style: chr15-43503695-C-G.
Other names: p.Met186Ile; c.558G>C, p.Met186Ile (NM_000119.3); short protein forms M156I, M186I.
Identifiers: ClinVar variation 3380270 (VCV003380270.1).

ClinVar aggregate classification (germline): Uncertain significance (1 of 4 stars; one submission).

Submission:

Mayo Clinic Laboratories, Mayo Clinic
Classification: Uncertain significance. Last evaluated: 2023-10-20. Review status: criteria provided, single submitter. Criteria: ACMG Guidelines, 2015. Collection method: clinical testing. Allele origin: germline. Observed: 1 variant allele.
Comment: BP4, PM2_moderate